The following is an entry in ClinVar:

ClinVar aggregate classification (germline): Benign (1 of 4 stars; one submission).

Allele frequency attached by ClinVar (database versions not stated): gnomAD 0.00115; 1000 Genomes Project 0.00503.

Submission:

CeGaT Center for Human Genetics Tuebingen
Classification: Benign. Last evaluated: 2022-10-01. Review status: criteria provided, single submitter. Criteria: CeGaT Center For Human Genetics Tuebingen Variant Classification Criteria Version 2. Collection method: clinical testing. Allele origin: germline. Affected: yes. Observed: 2 variant alleles.
Comment: MAGEC1: BP4, BS1, BS2

NM_005462.5(MAGEC1):c.715C>G (p.Pro239Ala)

Gene: MAGEC1 (MAGE family member C1; plus strand). Cytogenetic location: Xq27.2.
Variant type: single nucleotide variant.
Coding change: c.715C>G on transcript NM_005462.5 (MANE Select); coding-DNA position 715, C replaced by G.
Protein change: p.Pro239Ala; replaces proline 239 with alanine.
Molecular consequence: missense variant.
Genome position (GRCh38, 1-based): chrX:141,906,119, C>G. VCF-style: chrX-141906119-C-G. GRCh37 (hg19) VCF-style: chrX-140993905-C-G.
Other names: short protein forms P239A.
Identifiers: ClinVar variation 2661557 (VCV002661557.24), dbSNP rs176040, ClinGen allele CA10533285.